The following is an entry in ClinVar:

NM_007126.5(VCP):c.2234G>A (p.Arg745His)

Gene: VCP (valosin containing protein; minus strand). Cytogenetic location: 9p13.3.
Variant type: single nucleotide variant.
Coding change: c.2234G>A on transcript NM_007126.5 (MANE Select); coding-DNA position 2234, G replaced by A.
Protein change: p.Arg745His; replaces arginine 745 with histidine.
Molecular consequence: missense variant.
Genome position (GRCh38, 1-based): chr9:35,057,457, C>T on the plus strand (G>A on the coding strand, the complement: VCP is on the minus strand). VCF-style: chr9-35057457-C-T. GRCh37 (hg19) VCF-style: chr9-35057454-C-T.
Other names: c.2099G>A, p.Arg700His (NM_001354927.2, NM_001354928.2); short protein forms R745H, R700H.
Identifiers: ClinVar variation 2925445 (VCV002925445.4), dbSNP rs1828632857, ClinGen allele CA373269732.

ClinVar aggregate classification (germline): Uncertain significance. Review status: criteria provided, multiple submitters, no conflicts (2 of 4 stars). 2 submissions from 2 submitters: Uncertain significance (2). Last evaluated 2024-09-05.

Conditions:
Inclusion body myopathy with Paget disease of bone and frontotemporal dementia. Also called: Inclusion body myopathy with early-onset Paget disease and frontotemporal dementia. Identifiers: Orphanet 52430, MedGen C1833662, MONDO:0000507.
Frontotemporal dementia and/or amyotrophic lateral sclerosis 6 (FTDALS6). Also called: VCP-Related Amyotrophic Lateral Sclerosis; VCP-Related Amyotrophic Lateral Sclerosis/Frontotemporal Dementia. Identifiers: Orphanet 275872, Orphanet 803, MedGen C5436279, MONDO:0013501, OMIM 613954.

gnomAD v4.1: 3 of 1,614,182 alleles (0.00019%); highest among the groups gnomAD compares: Non-Finnish European, 0.00017%; no homozygotes.

Submissions (2):

Women's Health and Genetics/Laboratory Corporation of America, LabCorp
Classification: Uncertain significance. Last evaluated: 2024-09-05. Review status: criteria provided, single submitter. Criteria: LabCorp Variant Classification Summary - May 2015. Collection method: clinical testing. Allele origin: germline.
Comment: Variant summary: VCP c.2234G>A (p.Arg745His) results in a non-conservative amino acid change in the encoded protein sequence. Three of five in-silico tools predict a damaging effect of the variant on protein function. The variant was absent in 251324 control chromosomes. The available data on variant occurrences in the general population are insufficient to allow any conclusion about variant significance. To our knowledge, no occurrence of c.2234G>A in individuals affected with VCP-Related Disorders and no experimental evidence demonstrating its impact on protein function have been reported. ClinVar contains an entry for this variant (Variation ID: 2925445). Based on the evidence outlined above, the variant was classified as uncertain significance.

Labcorp Genetics (formerly Invitae), Labcorp
Classification: Uncertain significance for Inclusion body myopathy with Paget disease of bone and frontotemporal dementia; Frontotemporal dementia and/or amyotrophic lateral sclerosis 6. Last evaluated: 2023-05-10. Review status: criteria provided, single submitter. Criteria: Invitae Variant Classification Sherloc (09022015). Collection method: clinical testing. Allele origin: germline.
Comment: This sequence change replaces arginine, which is basic and polar, with histidine, which is basic and polar, at codon 745 of the VCP protein (p.Arg745His). This variant is not present in population databases (gnomAD no frequency). This missense change has been observed in individual(s) with clinical features of amyotrophic lateral sclerosis (Invitae). Advanced modeling of protein sequence and biophysical properties (such as structural, functional, and spatial information, amino acid conservation, physicochemical variation, residue mobility, and thermodynamic stability) performed at Invitae indicates that this missense variant is not expected to disrupt VCP protein function. In summary, the available evidence is currently insufficient to determine the role of this variant in disease. Therefore, it has been classified as a Variant of Uncertain Significance.